The following is an entry in ClinVar:

NM_005334.3(HCFC1):c.1706G>T (p.Ser569Ile)

Gene: HCFC1 (host cell factor C1; minus strand). Cytogenetic location: Xq28.
Variant type: single nucleotide variant.
Coding change: c.1706G>T on transcript NM_005334.3 (MANE Select); coding-DNA position 1706, G replaced by T.
Protein change: p.Ser569Ile; replaces serine 569 with isoleucine.
Molecular consequence: missense variant.
Genome position (GRCh38, 1-based): chrX:153,958,666, C>A on the plus strand (G>T on the coding strand, the complement: HCFC1 is on the minus strand). VCF-style: chrX-153958666-C-A. GRCh37 (hg19) VCF-style: chrX-153224117-C-A.
Other names: c.1706G>T, p.Ser569Ile (NM_001410705.1); short protein forms S569I.
Identifiers: ClinVar variation 3393806 (VCV003393806.1).

ClinVar aggregate classification (germline): Uncertain significance (1 of 4 stars; one submission).

Submission:

GeneDx
Classification: Uncertain significance. Last evaluated: 2024-07-03. Review status: criteria provided, single submitter. Criteria: GeneDx Variant Classification Process June 2021. Collection method: clinical testing. Allele origin: germline. Affected: yes.
Comment: Not observed at significant frequency in large population cohorts (gnomAD); In silico analysis indicates that this missense variant does not alter protein structure/function; Has not been previously published as pathogenic or benign to our knowledge